The following is an entry in ClinVar:

NM_000070.3(CAPN3):c.1002C>G (p.His334Gln)

Gene: CAPN3 (calpain 3; plus strand). Cytogenetic location: 15q15.1.
Variant type: single nucleotide variant.
Coding change: c.1002C>G on transcript NM_000070.3 (MANE Select); coding-DNA position 1002, C replaced by G.
Protein change: p.His334Gln; replaces histidine 334 with glutamine.
Molecular consequence: missense variant.
Genome position (GRCh38, 1-based): chr15:42,392,695, C>G. VCF-style: chr15-42392695-C-G. GRCh37 (hg19) VCF-style: chr15-42684893-C-G.
Other names: c.1002C>G, p.His334Gln (NM_024344.2); c.858C>G, p.His286Gln (NM_173087.2); short protein forms H286Q, H334Q.
Identifiers: ClinVar variation 4816056 (VCV004816056.3), dbSNP rs374833797.

ClinVar aggregate classification (germline): Likely pathogenic. Review status: criteria provided, multiple submitters, no conflicts (2 of 4 stars). 2 submissions from 2 submitters: Likely pathogenic (2). Last evaluated 2026-01-25.

Conditions:
Autosomal recessive limb-girdle muscular dystrophy type 2A (LGMDR1). Also called: Limb-girdle muscular dystrophy, type 2A; Calpainopathy; LEYDEN-MOEBIUS MUSCULAR DYSTROPHY; MUSCULAR DYSTROPHY, PELVOFEMORAL; Muscular dystrophy, limb-girdle, type 2A, Amish. Identifiers: Orphanet 267, MedGen C1869123, MONDO:0009675, OMIM 253600. Disease mechanism: loss of function.

Submissions (2):

Natera, Inc.
Classification: Likely pathogenic for Limb-girdle muscular dystrophy type 2A. Last evaluated: 2026-01-25. Review status: criteria provided, single submitter. Criteria: Natera Variant Classification Schema (03/2026). Collection method: clinical testing. Allele origin: germline.
Comment: The c.1002C>G variant in CAPN3 is a missense variant predicted to cause substitution of histidine to glutamine at amino acid 334. This variant is rare in the general population with a frequency below the threshold expected for the associated phenotype(s). This variant has been observed in one or more individuals affected with the associated recessive disease, as either homozygous or compound heterozygous with a second variant (PMID: 9150160). Additionally, this variant has been observed to segregate in affected family members (PMID: 9150160). Computational prediction algorithms indicate this variant is likely to affect gene or protein function. Given the available evidence, this variant is classified as Likely Pathogenic.

Juno Genomics, Hangzhou Juno Genomics, Inc
Classification: Likely pathogenic for Autosomal recessive limb-girdle muscular dystrophy type 2A. Review status: criteria provided, single submitter. Criteria: ACMG Guidelines, 2015. Collection method: clinical testing. Allele origin: germline.
Comment: Absent from controls (or at extremely low frequency if recessive) in Genome Aggregation Database.;Co-segregation with disease in multiple affected family members.;Well-established in vitro or in vivo functional studies supportive of a damaging effect on the gene or gene product.;For recessive disorders, detected in trans with a pathogenic variant.

Literature cited by the submitters: PubMed 9150160 (cited by Natera, Inc.).